The following is an entry in ClinVar:

ClinVar aggregate classification (germline): Uncertain significance. Review status: criteria provided, multiple submitters, no conflicts (2 of 4 stars). 2 submissions from 2 submitters: Uncertain significance (2). Last evaluated 2023-06-23.

Conditions:
Hereditary nonpolyposis colorectal neoplasms. Identifiers: MedGen C0009405, MeSH D003123.
Hereditary cancer-predisposing syndrome. Also called: Tumor predisposition; Hereditary neoplastic syndrome; Neoplastic Syndromes, Hereditary; Hereditary Cancer Syndrome. Identifiers: Orphanet 140162, MedGen C0027672, MeSH D009386, MONDO:0015356.

gnomAD v4.1: 1 of 1,614,202 alleles (0.000062%); highest among the groups gnomAD compares: Non-Finnish European, 0.000085%; no homozygotes.

Submissions (2):

Labcorp Genetics (formerly Invitae), Labcorp
Classification: Uncertain significance for Hereditary nonpolyposis colorectal neoplasms. Last evaluated: 2023-06-23. Review status: criteria provided, single submitter. Criteria: Invitae Variant Classification Sherloc (09022015). Collection method: clinical testing. Allele origin: germline.
Comment: In summary, the available evidence is currently insufficient to determine the role of this variant in disease. Therefore, it has been classified as a Variant of Uncertain Significance. Advanced modeling of protein sequence and biophysical properties (such as structural, functional, and spatial information, amino acid conservation, physicochemical variation, residue mobility, and thermodynamic stability) performed at Invitae indicates that this missense variant is not expected to disrupt MSH6 protein function. ClinVar contains an entry for this variant (Variation ID: 1497615). This variant has not been reported in the literature in individuals affected with MSH6-related conditions. This variant is not present in population databases (gnomAD no frequency). This sequence change replaces lysine, which is basic and polar, with asparagine, which is neutral and polar, at codon 646 of the MSH6 protein (p.Lys646Asn).

Ambry Genetics
Classification: Uncertain significance for Hereditary cancer-predisposing syndrome. Last evaluated: 2021-01-27. Review status: criteria provided, single submitter. Criteria: Ambry Variant Classification Scheme 2023. Collection method: clinical testing. Allele origin: germline.
Comment: The p.K646N variant (also known as c.1938G>T), located in coding exon 4 of the MSH6 gene, results from a G to T substitution at nucleotide position 1938. The lysine at codon 646 is replaced by asparagine, an amino acid with similar properties. This amino acid position is not well conserved in available vertebrate species. In addition, this alteration is predicted to be tolerated by in silico analysis. Since supporting evidence is limited at this time, the clinical significance of this alteration remains unclear.

NM_000179.3(MSH6):c.1938G>T (p.Lys646Asn)

Gene: MSH6 (mutS homolog 6; plus strand). Cytogenetic location: 2p16.3.
Variant type: single nucleotide variant.
Coding change: c.1938G>T on transcript NM_000179.3 (MANE Select); coding-DNA position 1938, G replaced by T.
Protein change: p.Lys646Asn; replaces lysine 646 with asparagine.
Molecular consequence: missense variant.
Genome position (GRCh38, 1-based): chr2:47,799,921, G>T. VCF-style: chr2-47799921-G-T. GRCh37 (hg19) VCF-style: chr2-48027060-G-T.
Other names: c.1548G>T, p.Lys516Asn (NM_001281492.2); c.1032G>T, p.Lys344Asn (NM_001281493.2, NM_001281494.2); short protein forms K344N, K516N, K646N.
Identifiers: ClinVar variation 1497615 (VCV001497615.8), dbSNP rs758631207, ClinGen allele CA346750445.